The following is an entry in ClinVar:

NM_013314.4(BLNK):c.208A>G (p.Ser70Gly)

Gene: BLNK (B cell linker; minus strand). Cytogenetic location: 10q24.1.
Variant type: single nucleotide variant.
Coding change: c.208A>G on transcript NM_013314.4 (MANE Select); coding-DNA position 208, A replaced by G.
Protein change: p.Ser70Gly; replaces serine 70 with glycine.
Molecular consequence: missense variant. On other transcripts: non-coding transcript variant (4).
Genome position (GRCh38, 1-based): chr10:96,227,563, T>C on the plus strand (A>G on the coding strand, the complement: BLNK is on the minus strand). VCF-style: chr10-96227563-T-C. GRCh37 (hg19) VCF-style: chr10-97987319-T-C.
Other names: c.208A>G, p.Ser70Gly (NM_001114094.2, NM_001258440.2, NM_001258441.2 and 1 more transcripts); short protein forms S70G.
Identifiers: ClinVar variation 1391240 (VCV001391240.8), dbSNP rs2134032306, ClinGen allele CA377726072.

ClinVar aggregate classification (germline): Uncertain significance (1 of 4 stars; one submission).

Conditions:
Agammaglobulinemia 4, autosomal recessive (AGM4). Also called: AGAMMAGLOBULINEMIA, AUTOSOMAL RECESSIVE, DUE TO BLNK DEFECT; B cell linker protein deficiency. Identifiers: MedGen C3150752, MONDO:0013289, OMIM 613502.

Allele frequency attached by ClinVar (database versions not stated): gnomAD exomes below 0.00001.
gnomAD v4.1: 1 of 1,614,046 alleles (0.000062%); no homozygotes.

Submission:

Labcorp Genetics (formerly Invitae), Labcorp
Classification: Uncertain significance for Agammaglobulinemia 4, autosomal recessive. Last evaluated: 2020-11-19. Review status: criteria provided, single submitter. Criteria: Invitae Variant Classification Sherloc (09022015). Collection method: clinical testing. Allele origin: germline.
Comment: In summary, the available evidence is currently insufficient to determine the role of this variant in disease. Therefore, it has been classified as a Variant of Uncertain Significance. Algorithms developed to predict the effect of missense changes on protein structure and function output the following: SIFT: "Deleterious"; PolyPhen-2: "Benign"; Align-GVGD: "Class C0". The glycine amino acid residue is found in multiple mammalian species, suggesting that this missense change does not adversely affect protein function. These predictions have not been confirmed by published functional studies and their clinical significance is uncertain. This variant has not been reported in the literature in individuals with BLNK-related conditions. This variant is not present in population databases (ExAC no frequency). This sequence change replaces serine with glycine at codon 70 of the BLNK protein (p.Ser70Gly). The serine residue is highly conserved and there is a small physicochemical difference between serine and glycine.